The following is an entry in ClinVar:

NM_006009.4(TUBA1A):c.114T>G (p.Ser38Arg)

Gene: TUBA1A (tubulin alpha 1a; minus strand). Cytogenetic location: 12q13.12.
Variant type: single nucleotide variant.
Coding change: c.114T>G on transcript NM_006009.4 (MANE Select); coding-DNA position 114, T replaced by G.
Protein change: p.Ser38Arg; replaces serine 38 with arginine.
Molecular consequence: missense variant.
Genome position (GRCh38, 1-based): chr12:49,186,723, A>C on the plus strand (T>G on the coding strand, the complement: TUBA1A is on the minus strand). VCF-style: chr12-49186723-A-C. GRCh37 (hg19) VCF-style: chr12-49580506-A-C.
Other names: c.114T>G, p.Ser38Arg (NM_001270399.2); c.9T>G, p.Ser3Arg (NM_001270400.2); short protein forms S38R, S3R.
Identifiers: ClinVar variation 4292620 (VCV004292620.1).

ClinVar aggregate classification (germline): Uncertain significance (1 of 4 stars; one submission).

Conditions:
Lissencephaly due to TUBA1A mutation (CDCBM16). Also called: CORTICAL DYSPLASIA, COMPLEX, WITH OTHER BRAIN MALFORMATIONS 16; Lissencephaly 3. Identifiers: Orphanet 171680, MedGen C4305153, MONDO:0012703, OMIM 611603.

Submission:

3billion
Classification: Uncertain significance for Lissencephaly due to TUBA1A mutation. Last evaluated: 2025-02-27. Review status: criteria provided, single submitter. Criteria: ACMG Guidelines, 2015. Collection method: clinical testing. Allele origin: germline. Affected: yes.
Comment: The variant is not observed in the gnomAD v4.1.0 dataset. Predicted Consequence/Location: Missense variant. Missense changes are a common disease-causing mechanism. Damaging effect on gene or gene product predicted by in silico programs is uncertain [REVEL: 0.59 (damaging >=0.6, benign <0.4), 3Cnet: 0.33 (damaging >=0.6, benign <0.15)]. Therefore, this variant is classified as VUS according to the recommendation of ACMG/AMP guideline.